The following is an entry in ClinVar:

NM_015932.6(POMP):c.116A>G (p.Lys39Arg)

Gene: POMP (proteasome maturation protein; plus strand). Cytogenetic location: 13q12.3.
Variant type: single nucleotide variant.
Coding change: c.116A>G on transcript NM_015932.6 (MANE Select); coding-DNA position 116, A replaced by G.
Protein change: p.Lys39Arg; replaces lysine 39 with arginine.
Molecular consequence: missense variant.
Genome position (GRCh38, 1-based): chr13:28,664,523, A>G. VCF-style: chr13-28664523-A-G. GRCh37 (hg19) VCF-style: chr13-29238660-A-G.
Other names: short protein forms K39R.
Identifiers: ClinVar variation 3674743 (VCV003674743.2).

ClinVar aggregate classification (germline): Uncertain significance (1 of 4 stars; one submission).

gnomAD v4.1: 6 of 1,583,574 alleles (0.00038%); highest among the groups gnomAD compares: African/African-American, 0.004%; no homozygotes.

Submission:

Labcorp Genetics (formerly Invitae), Labcorp
Classification: Uncertain significance. Last evaluated: 2024-06-13. Review status: criteria provided, single submitter. Criteria: Invitae Variant Classification Sherloc (09022015). Collection method: clinical testing. Allele origin: germline.
Comment: This sequence change replaces lysine, which is basic and polar, with arginine, which is basic and polar, at codon 39 of the POMP protein (p.Lys39Arg). This variant is not present in population databases (gnomAD no frequency). This variant has not been reported in the literature in individuals affected with POMP-related conditions. An algorithm developed to predict the effect of missense changes on protein structure and function (PolyPhen-2) suggests that this variant is likely to be tolerated. In summary, the available evidence is currently insufficient to determine the role of this variant in disease. Therefore, it has been classified as a Variant of Uncertain Significance.